The following is an entry in ClinVar:

NM_198576.4(AGRN):c.5550G>A (p.Pro1850=)

Gene: AGRN (agrin; plus strand). Cytogenetic location: 1p36.33.
Variant type: single nucleotide variant.
Coding change: c.5550G>A on transcript NM_198576.4 (MANE Select); coding-DNA position 5550, G replaced by A.
Protein change: p.Pro1850=; no amino-acid change (proline 1850 retained).
Molecular consequence: synonymous variant.
Genome position (GRCh38, 1-based): chr1:1,051,632, G>A. VCF-style: chr1-1051632-G-A. GRCh37 (hg19) VCF-style: chr1-987012-G-A.
Other names: c.5562G>A, p.Pro1854= (NM_001305275.2); c.5247G>A, p.Pro1749= (NM_001364727.2).
Identifiers: ClinVar variation 474153 (VCV000474153.22), dbSNP rs74045090, ClinGen allele CA510064.

ClinVar aggregate classification (germline): Benign/Likely benign. Review status: criteria provided, multiple submitters, no conflicts (2 of 4 stars). 3 submissions from 3 submitters: Benign (1); Likely benign (2). Last evaluated 2025-12-23.

Conditions:
Congenital myasthenic syndrome 8. Also called: Myasthenic syndrome, congenital, 8, with pre- and postsynaptic defects; MYASTHENIC SYNDROME, CONGENITAL, DUE TO AGRIN DEFICIENCY. Identifiers: Orphanet 590, MedGen C3808739, MONDO:0014052, OMIM 615120.

Allele frequency attached by ClinVar (database versions not stated): 1000 Genomes Project 0.00020; gnomAD exomes 0.00038; ExAC 0.00053; ESP Exome Variant Server 0.00131; TOPMed 0.00208; 1000 Genomes Project 30x 0.00016.

Submissions (3):

Labcorp Genetics (formerly Invitae), Labcorp
Classification: Benign for Congenital myasthenic syndrome 8. Last evaluated: 2025-12-23. Review status: criteria provided, single submitter. Criteria: Invitae Variant Classification Sherloc (09022015). Collection method: clinical testing. Allele origin: germline.

CeGaT Center for Human Genetics Tuebingen
Classification: Likely benign. Last evaluated: 2025-08-01. Review status: criteria provided, single submitter. Criteria: CeGaT Center For Human Genetics Tuebingen Variant Classification Criteria Version 2. Collection method: clinical testing. Allele origin: germline. Affected: yes. Observed: 1 variant allele.
Comment: AGRN: BP4, BP7

Blueprint Genetics
Classification: Likely benign. Last evaluated: 2024-02-08. Review status: criteria provided, single submitter. Criteria: ACMG Guidelines, 2015. Collection method: clinical testing. Allele origin: germline.